The following is an entry in ClinVar:

ClinVar aggregate classification (germline): Conflicting classifications of pathogenicity. Review status: criteria provided, conflicting classifications (1 of 4 stars). 2 submissions from 2 submitters: Uncertain significance (1); Likely benign (1). Last evaluated 2025-10-07.

Conditions:
Inborn genetic diseases. Identifiers: MedGen C0950123, MeSH D030342.

Allele frequency attached by ClinVar (database versions not stated): gnomAD 0.00004 and 0.00005; ExAC 0.00007; gnomAD exomes 0.00009 and 0.00012; TOPMed 0.00009.
gnomAD v4.1: 179 of 1,613,948 alleles (0.011%); highest among the groups gnomAD compares: Middle Eastern, 0.016%; no homozygotes.

Submissions (2):

Labcorp Genetics (formerly Invitae), Labcorp
Classification: Uncertain significance. Last evaluated: 2025-10-07. Review status: criteria provided, single submitter. Criteria: Invitae Variant Classification Sherloc (09022015). Collection method: clinical testing. Allele origin: germline.
Comment: This sequence change replaces glycine, which is neutral and non-polar, with valine, which is neutral and non-polar, at codon 1359 of the SRCAP protein (p.Gly1359Val). This variant is present in population databases (rs774055207, gnomAD 0.05%), and has an allele count higher than expected for a pathogenic variant. This variant has not been reported in the literature in individuals affected with SRCAP-related conditions. ClinVar contains an entry for this variant (Variation ID: 1406668). Invitae Evidence Modeling of protein sequence and biophysical properties (such as structural, functional, and spatial information, amino acid conservation, physicochemical variation, residue mobility, and thermodynamic stability) indicates that this missense variant is not expected to disrupt SRCAP protein function with a negative predictive value of 80%. In summary, the available evidence is currently insufficient to determine the role of this variant in disease. Therefore, it has been classified as a Variant of Uncertain Significance.

Ambry Genetics
Classification: Likely benign for Inborn genetic diseases. Last evaluated: 2023-06-01. Review status: criteria provided, single submitter. Criteria: Ambry Variant Classification Scheme 2023. Collection method: clinical testing. Allele origin: germline.

NM_006662.3(SRCAP):c.4076G>T (p.Gly1359Val)

Gene: SRCAP (Snf2 related CREBBP activator protein; plus strand). Cytogenetic location: 16p11.2.
Variant type: single nucleotide variant.
Coding change: c.4076G>T on transcript NM_006662.3 (MANE Select); coding-DNA position 4076, G replaced by T.
Protein change: p.Gly1359Val; replaces glycine 1359 with valine.
Molecular consequence: missense variant.
Genome position (GRCh38, 1-based): chr16:30,723,146, G>T. VCF-style: chr16-30723146-G-T. GRCh37 (hg19) VCF-style: chr16-30734467-G-T.
Other names: c.4076G>T (NM_006662.2); short protein forms G1359V.
Identifiers: ClinVar variation 1406668 (VCV001406668.7), dbSNP rs774055207, ClinGen allele CA8011656.